The following is an entry in ClinVar:

ClinVar aggregate classification (germline): Uncertain significance. Review status: criteria provided, multiple submitters, no conflicts (2 of 4 stars). 2 submissions from 2 submitters: Uncertain significance (2). Last evaluated 2022-08-24.

Conditions:
Epilepsy. Also called: Seizure disorder. Identifiers: MedGen C0014544, MeSH D004827, MONDO:0005027.

Submissions (2):

Labcorp Genetics (formerly Invitae), Labcorp
Classification: Uncertain significance. Last evaluated: 2022-08-24. Review status: criteria provided, single submitter. Criteria: Invitae Variant Classification Sherloc (09022015). Collection method: clinical testing. Allele origin: germline.
Comment: Variants that disrupt the consensus splice site are a relatively common cause of aberrant splicing (PMID: 17576681, 9536098). Algorithms developed to predict the effect of sequence changes on RNA splicing suggest that this variant may create or strengthen a splice site. In summary, the available evidence is currently insufficient to determine the role of this variant in disease. Therefore, it has been classified as a Variant of Uncertain Significance. This variant has not been reported in the literature in individuals affected with ABCB7-related conditions. This variant is not present in population databases (gnomAD no frequency). This sequence change falls in intron 12 of the ABCB7 gene. It does not directly change the encoded amino acid sequence of the ABCB7 protein. It affects a nucleotide within the consensus splice site.

Cambridge Genomics Laboratory, East Genomic Laboratory Hub, NHS Genomic Medicine Service
Classification: Uncertain significance for Epilepsy. Last evaluated: 2020-03-30. Review status: criteria provided, single submitter. Criteria: ACGS Best Practice Guidelines for Variant Classification in Rare Disease 2020. Collection method: clinical testing. Allele origin: germline. Affected: yes. Observed: 1 variant allele.

Literature cited by the submitters: PubMed 17576681 (cited by Labcorp Genetics (formerly Invitae), Labcorp); PubMed 9536098 (cited by Labcorp Genetics (formerly Invitae), Labcorp).

NM_001271696.3(ABCB7):c.1659+5T>G

Gene: ABCB7 (ATP binding cassette subfamily B member 7; minus strand). Cytogenetic location: Xq13.3.
Variant type: single nucleotide variant.
Coding change: c.1659+5T>G on transcript NM_001271696.3 (MANE Select); 5 bases into the intron after coding-DNA position 1659, T replaced by G.
Molecular consequence: intron variant.
Genome position (GRCh38, 1-based): chrX:75,069,002, A>C on the plus strand (T>G on the coding strand, the complement: ABCB7 is on the minus strand). VCF-style: chrX-75069002-A-C. GRCh37 (hg19) VCF-style: chrX-74288837-A-C.
Other names: c.1581+5T>G (NM_001271698.3); c.1539+5T>G (NM_001271697.3); c.1542+5T>G (NM_001271699.3); c.1662+5T>G (NM_004299.6).
Identifiers: ClinVar variation 2026788 (VCV002026788.5), dbSNP rs994888193, ClinGen allele CA2580101382.